The following is an entry in ClinVar:

NM_001018005.2(TPM1):c.115-316G>A

Gene: TPM1 (tropomyosin 1; plus strand). Cytogenetic location: 15q22.2.
Variant type: single nucleotide variant.
Coding change: c.115-316G>A on transcript NM_001018005.2 (MANE Select); 316 bases into the intron before coding-DNA position 115, G replaced by A.
Molecular consequence: intron variant. On other transcripts: synonymous variant (4).
Genome position (GRCh38, 1-based): chr15:63,043,711, G>A. VCF-style: chr15-63043711-G-A. GRCh37 (hg19) VCF-style: chr15-63335910-G-A.
Other names: c.120G>A, p.Glu40= (NM_001018007.2, NM_001018020.2, NM_001301244.2 and 1 more transcripts); c.115-316G>A (NM_001018006.2, NM_001365776.1, NM_001018004.2 and 3 more transcripts); c.120G>A (NM_001018007.1).
Identifiers: ClinVar variation 43685 (VCV000043685.48), dbSNP rs397516491, ClinGen allele CA018629.

ClinVar aggregate classification (germline): Benign/Likely benign. Review status: criteria provided, multiple submitters, no conflicts (2 of 4 stars). 11 submissions from 11 submitters: Benign (2); Likely benign (4). 5 of the submissions do not count toward it. Last evaluated 2026-09-01.

Conditions:
TPM1-related disorder. Also called: TPM1-related condition.
Cardiomyopathy (CMYO). Also called: Cardiomyopathies. Identifiers: Orphanet 167848, MedGen C0878544, MONDO:0004994, HP:0001638. Inheritance: Various modes of inheritance.

Allele frequency attached by ClinVar (database versions not stated): gnomAD exomes 0.00014 and 0.00020; gnomAD 0.00015 and 0.00016; ExAC 0.00062; 1000 Genomes Project 0.00020; TOPMed 0.00020; 1000 Genomes Project 30x 0.00031.
gnomAD v4.1: 227 of 1,546,864 alleles (0.015%); highest among the groups gnomAD compares: Middle Eastern, 0.061%; 1 homozygote.

Submissions (11):

CeGaT Center for Human Genetics Tuebingen
Classification: Likely benign. Last evaluated: 2026-09-01. Review status: criteria provided, single submitter. Criteria: CeGaT Center For Human Genetics Tuebingen Variant Classification Criteria Version 2. Collection method: clinical testing. Allele origin: germline. Affected: yes. Observed: 10 variant alleles.
Comment: TPM1: BP4, BP7, BS1

Molecular Diagnostic Laboratory for Inherited Cardiovascular Disease, Montreal Heart Institute
Classification: Benign. Last evaluated: 2025-04-09. Review status: criteria provided, single submitter. Criteria: ACMG Guidelines, 2015. Collection method: clinical testing. Allele origin: germline. Affected: no.

Blueprint Genetics
Classification: Likely benign. Last evaluated: 2024-10-23. Review status: criteria provided, single submitter. Criteria: ACMG Guidelines, 2015. Collection method: clinical testing. Allele origin: germline.

Color Diagnostics, LLC DBA Color Health
Classification: Likely benign for Cardiomyopathy. Last evaluated: 2018-09-24. Review status: criteria provided, single submitter. Criteria: ACMG Guidelines, 2015. Collection method: clinical testing. Allele origin: germline.

GeneDx
Classification: Benign. Last evaluated: 2015-03-03. Review status: criteria provided, single submitter. Criteria: GeneDx Variant Classification Process June 2021. Collection method: clinical testing. Allele origin: germline. Affected: yes.

Laboratory for Molecular Medicine, Mass General Brigham Personalized Medicine
Classification: Likely benign. Last evaluated: 2011-11-09. Review status: criteria provided, single submitter. Criteria: LMM Criteria. Collection method: clinical testing. Allele origin: germline. Observed: 3 variant alleles.
Comment: Glu40Glu in exon 1 of TPM1: This variant does not change an amino acid and does not affect the splice consensus sequence. This makes a disease causing role very unlikely.

PreventionGenetics, part of Exact Sciences
Classification: Likely benign for TPM1-related condition. Last evaluated: 2019-06-21. Review status: no assertion criteria provided. Collection method: clinical testing. Allele origin: germline. Not counted in ClinVar's aggregate classification.
Comment: This variant is classified as likely benign based on ACMG/AMP sequence variant interpretation guidelines (Richards et al. 2015 PMID: 25741868, with internal and published modifications).

Clinical Genetics DNA and cytogenetics Diagnostics Lab, Erasmus MC, Erasmus Medical Center
Classification: Likely benign. Review status: no assertion criteria provided. Collection method: clinical testing. Allele origin: germline. Affected: yes. Study: VKGL Data-share Consensus. Not counted in ClinVar's aggregate classification.

Clinical Genetics, Academic Medical Center
Classification: Benign. Review status: no assertion criteria provided. Collection method: clinical testing. Allele origin: germline. Affected: yes. Study: VKGL Data-share Consensus. Not counted in ClinVar's aggregate classification.

Genome Diagnostics Laboratory, University Medical Center Utrecht
Classification: Likely benign. Review status: no assertion criteria provided. Collection method: clinical testing. Allele origin: germline. Affected: yes. Study: VKGL Data-share Consensus. Not counted in ClinVar's aggregate classification.

Joint Genome Diagnostic Labs from Nijmegen and Maastricht, Radboudumc and MUMC+
Classification: Likely benign. Review status: no assertion criteria provided. Collection method: clinical testing. Allele origin: germline. Affected: yes. Study: VKGL Data-share Consensus. Not counted in ClinVar's aggregate classification.